The following is an entry in ClinVar:

ClinVar aggregate classification (germline): Uncertain significance (1 of 4 stars; one submission).

Submission:

Labcorp Genetics (formerly Invitae), Labcorp
Classification: Uncertain significance. Last evaluated: 2024-03-11. Review status: criteria provided, single submitter. Criteria: Invitae Variant Classification Sherloc (09022015). Collection method: clinical testing. Allele origin: germline.
Comment: This variant, c.36_50dup, results in the insertion of 5 amino acid(s) of the P3H2 protein (p.Leu14_Leu18dup), but otherwise preserves the integrity of the reading frame. This variant is present in population databases (no rsID available, gnomAD 0.01%). This variant has not been reported in the literature in individuals affected with P3H2-related conditions. ClinVar contains an entry for this variant (Variation ID: 936900). Experimental studies and prediction algorithms are not available or were not evaluated, and the functional significance of this variant is currently unknown. In summary, the available evidence is currently insufficient to determine the role of this variant in disease. Therefore, it has been classified as a Variant of Uncertain Significance.

NM_018192.4(P3H2):c.36_50dup (p.Leu14_Leu18dup)

Genes: P3H2 (prolyl 3-hydroxylase 2; minus strand), LOC123464484 (Sharpr-MPRA regulatory region 10063; plus strand). Cytogenetic location: 3q28.
Variant type: Duplication.
Coding change: c.36_50dup on transcript NM_018192.4 (MANE Select); coding-DNA positions 36 to 50, 15 bases duplicated (GCTGCTGCCGCTGCT).
Protein change: p.Leu14_Leu18dup.
Molecular consequence: inframe insertion. On other transcripts: intron variant (1).
Genome position (GRCh38, 1-based): chr3:190,120,682-190,120,696, AGCAGCGGCAGCAGC duplicated on the plus strand (GCTGCTGCCGCTGCT on the coding strand, the reverse complement: P3H2 is on the minus strand); duplicating any 15 consecutive bases within chr3:190,120,682-190,120,702 gives the same sequence; the c. name uses the placement nearest the transcript's 3' end. VCF-style (leftmost placement, unchanged base first): chr3-190120681-T-TAGCAGCGGCAGCAGC. GRCh37 (hg19) VCF-style: chr3-189838470-T-TAGCAGCGGCAGCAGC.
Other names: c.-64+1507_-64+1521dup (NM_001134418.2).
Identifiers: ClinVar variation 936900 (VCV000936900.5), dbSNP rs1553783823, ClinGen allele CA548800515.